The following is an entry in ClinVar:

NM_001006658.3(CR2):c.2747C>A (p.Thr916Asn)

Gene: CR2 (complement C3d receptor 2; plus strand). Cytogenetic location: 1q32.2.
Variant type: single nucleotide variant.
Coding change: c.2747C>A on transcript NM_001006658.3 (MANE Select); coding-DNA position 2747, C replaced by A.
Protein change: p.Thr916Asn; replaces threonine 916 with asparagine.
Molecular consequence: missense variant.
Genome position (GRCh38, 1-based): chr1:207,476,264, C>A. VCF-style: chr1-207476264-C-A. GRCh37 (hg19) VCF-style: chr1-207649609-C-A.
Other names: c.2570C>A, p.Thr857Asn (NM_001877.5); short protein forms T857N, T916N.
Identifiers: ClinVar variation 3343431 (VCV003343431.1).
Genomic context (GRCh38, chr1:207,476,264, plus strand): 5'-GTTAAAGACCCTTTCTTATTGGTGTCTAAGCCTTCATAGGGTGTCCACCTCCGCCTAAGA[C>A]CCCTAACGGGAACCATACTGGTGGAAACATAGCTCGATTTTCTCCTGGAATGTCAATCCT-3'
Protein context (NP_001006659.1, residues 906-926): AFIGCPPPPK[Thr916Asn]PNGNHTGGNI

ClinVar aggregate classification (germline): Uncertain significance (1 of 4 stars; one submission).

Submission:

GeneDx
Classification: Uncertain significance. Last evaluated: 2023-05-11. Review status: criteria provided, single submitter. Criteria: GeneDx Variant Classification Process June 2021. Collection method: clinical testing. Allele origin: germline. Affected: yes.
Comment: Not observed at significant frequency in large population cohorts (gnomAD); In silico analysis supports that this missense variant does not alter protein structure/function; Has not been previously published as pathogenic or benign to our knowledge